The following is an entry in ClinVar:

NM_001394998.1(TANC2):c.2512C>T (p.His838Tyr)

Gene: TANC2 (tetratricopeptide repeat, ankyrin repeat and coiled-coil containing 2; plus strand). Cytogenetic location: 17q23.3.
Variant type: single nucleotide variant.
Coding change: c.2512C>T on transcript NM_001394998.1 (MANE Select); coding-DNA position 2512, C replaced by T.
Protein change: p.His838Tyr; replaces histidine 838 with tyrosine.
Molecular consequence: missense variant.
Genome position (GRCh38, 1-based): chr17:63,355,320, C>T. VCF-style: chr17-63355320-C-T. GRCh37 (hg19) VCF-style: chr17-61432681-C-T.
Other names: c.2290C>T, p.His764Tyr (NM_001411076.1, NM_025185.4); short protein forms H764Y, H838Y.
Identifiers: ClinVar variation 2501399 (VCV002501399.1), dbSNP rs1490007629, ClinGen allele CA400525450.

ClinVar aggregate classification (germline): Uncertain significance (1 of 4 stars; one submission).

Allele frequency attached by ClinVar (database versions not stated): gnomAD exomes below 0.00001; TOPMed below 0.00001; gnomAD 0.00001.
gnomAD v4.1: 2 of 1,610,718 alleles (0.00012%); highest among the groups gnomAD compares: Admixed American, 0.0017%; no homozygotes.

Submission:

GeneDx
Classification: Uncertain significance. Last evaluated: 2023-05-08. Review status: criteria provided, single submitter. Criteria: GeneDx Variant Classification Process June 2021. Collection method: clinical testing. Allele origin: germline. Affected: yes.
Comment: In silico analysis supports that this missense variant has a deleterious effect on protein structure/function; Has not been previously published as pathogenic or benign to our knowledge